The following is an entry in ClinVar:

NM_001372043.1(PCSK5):c.2562A>C (p.Thr854=)

Gene: PCSK5 (proprotein convertase subtilisin/kexin type 5; plus strand). Cytogenetic location: 9q21.13.
Variant type: single nucleotide variant.
Coding change: c.2562A>C on transcript NM_001372043.1 (MANE Select); coding-DNA position 2562, A replaced by C.
Protein change: p.Thr854=; no amino-acid change (threonine 854 retained).
Molecular consequence: synonymous variant. On other transcripts: non-coding transcript variant (1).
Genome position (GRCh38, 1-based): chr9:76,189,682, A>C. VCF-style: chr9-76189682-A-C. GRCh37 (hg19) VCF-style: chr9-78804598-A-C.
Other names: c.2562A>C, p.Thr854= (NM_001190482.2, NM_006200.6).
Identifiers: ClinVar variation 3036085 (VCV003036085.2), dbSNP rs757935315, ClinGen allele CA5087204.

ClinVar aggregate classification (germline): Likely benign (0 of 4 stars; one submission).

Conditions:
PCSK5-related disorder. Also called: PCSK5-related condition.

gnomAD v4.1: 164 of 1,613,346 alleles (0.01%); highest among the groups gnomAD compares: Non-Finnish European, 0.014%; no homozygotes.

Submission:

PreventionGenetics, part of Exact Sciences
Classification: Likely benign for PCSK5-related condition. Last evaluated: 2023-05-11. Review status: no assertion criteria provided. Collection method: clinical testing. Allele origin: germline.
Comment: This variant is classified as likely benign based on ACMG/AMP sequence variant interpretation guidelines (Richards et al. 2015 PMID: 25741868, with internal and published modifications).